The following is an entry in ClinVar:

ClinVar aggregate classification (germline): Uncertain significance (1 of 4 stars; one submission).

Allele frequency attached by ClinVar (database versions not stated): ExAC 0.00001; gnomAD exomes 0.00001.
gnomAD v4.1: 9 of 1,613,878 alleles (0.00056%); highest among the groups gnomAD compares: Non-Finnish European, 0.00076%; no homozygotes.

Submission:

CeGaT Center for Human Genetics Tuebingen
Classification: Uncertain significance. Last evaluated: 2024-01-01. Review status: criteria provided, single submitter. Criteria: CeGaT Center For Human Genetics Tuebingen Variant Classification Criteria Version 2. Collection method: clinical testing. Allele origin: germline. Affected: yes. Observed: 1 variant allele.
Comment: FREM1: PM2, BP4

NM_001379081.2(FREM1):c.2792C>T (p.Ala931Val)

Genes: FREM1 (FRAS1 related extracellular matrix 1; minus strand), LOC126860582 (P300/CBP strongly-dependent group 1 enhancer GRCh37_chr9:14812530-14813729; plus strand). Cytogenetic location: 9p22.3.
Variant type: single nucleotide variant.
Coding change: c.2792C>T on transcript NM_001379081.2 (MANE Select); coding-DNA position 2792, C replaced by T.
Protein change: p.Ala931Val; replaces alanine 931 with valine.
Molecular consequence: missense variant. On other transcripts: non-coding transcript variant (2).
Genome position (GRCh38, 1-based): chr9:14,812,913, G>A on the plus strand (C>T on the coding strand, the complement: FREM1 is on the minus strand). VCF-style: chr9-14812913-G-A. GRCh37 (hg19) VCF-style: chr9-14812911-G-A.
Other names: c.2792C>T, p.Ala931Val (NM_144966.7); short protein forms A931V.
Identifiers: ClinVar variation 3026792 (VCV003026792.22), dbSNP rs761793875, ClinGen allele CA4990813.
Genomic context (GRCh38, chr9:14,812,913, plus strand): 5'-TGAGAGAACTGATCCACTGTGACTCCAGCTCTCCTCACCACCCCATGCTGAGGTTCGCGA[G>A]CAATCACAAACATCAACTTCAAGTTATCGCTGTCCACATCAGTAGCAAAAATGTATTCAG-3'
Protein context (NP_001366010.1, residues 921-941): SDNLKLMFVI[Ala931Val]REPQHGVVRR